The following is an entry in ClinVar:

ClinVar aggregate classification (germline): Pathogenic (1 of 4 stars; one submission).

Conditions:
Familial cancer of breast. Also called: hereditary breast carcinoma; BREAST CANCER, FAMILIAL; Hereditary breast cancer. Identifiers: Orphanet 227535, MedGen C0346153, MONDO:0016419, OMIM 114480. Disease mechanism: loss of function.

Submission:

Myriad Genetics, Inc.
Classification: Pathogenic for Familial cancer of breast. Last evaluated: 2025-07-07. Review status: criteria provided, single submitter. Criteria: Myriad Autosomal Dominant, Autosomal Recessive and X-Linked Classification Criteria (2023). Collection method: clinical testing. Allele origin: unknown.
Comment: This variant is considered pathogenic. This variant creates a termination codon and is predicted to result in premature protein truncation.

NM_000051.4(ATM):c.3581_3582del (p.Val1193_Leu1194insTer)

Gene: ATM (ATM serine/threonine kinase; plus strand). Cytogenetic location: 11q22.3.
Variant type: Deletion.
Coding change: c.3581_3582del on transcript NM_000051.4 (MANE Select); coding-DNA positions 3581 to 3582, 2 bases deleted (TA; older notation c.3581_3582delTA).
Protein change: p.Val1193_Leu1194insTer.
Molecular consequence: nonsense.
Genome position (GRCh38, 1-based): chr11:108,282,714-108,282,715, TA deleted. VCF-style (leftmost placement, unchanged base first): chr11-108282713-TTA-T. GRCh37 (hg19) VCF-style: chr11-108153440-TTA-T.
Other names: c.3581_3582del, p.Val1193_Leu1194insTer (NM_001351834.2).
Identifiers: ClinVar variation 4294225 (VCV004294225.1).